The following is an entry in ClinVar:

ClinVar aggregate classification (germline): Pathogenic/Likely pathogenic. Review status: criteria provided, multiple submitters, no conflicts (2 of 4 stars). 10 submissions from 10 submitters: Pathogenic (5); Likely pathogenic (3). 2 of the submissions do not count toward it. Last evaluated 2025-12-26.

Conditions:
Tip-toe gait. Also called: Toe walking. Identifiers: MedGen C0427144, HP:0030051.
Mucopolysaccharidosis, MPS-III-B (MPS3B). Also called: MPS III B; MPS IIIB (Sanfilippo Syndrome Type B); N-ACETYL-ALPHA-D-GLUCOSAMINIDASE DEFICIENCY; NAGLU DEFICIENCY; SANFILIPPO SYNDROME B; Mucopolysaccharidosis type IIIB (Sanfilippo B). Identifiers: Orphanet 79270, MedGen C0086648, MONDO:0009656, OMIM 252920.
Charcot-Marie-Tooth disease axonal type 2V. Also called: CHARCOT-MARIE-TOOTH NEUROPATHY, TYPE 2V; CHARCOT-MARIE-TOOTH DISEASE, AXONAL, AUTOSOMAL DOMINANT, TYPE 2V. Identifiers: Orphanet 447964, MedGen C5569050, MONDO:0014665, OMIM 616491.

Allele frequency attached by ClinVar (database versions not stated): ExAC 0.00001; gnomAD 0.00002; gnomAD exomes 0.00002; TOPMed 0.00003.

Submissions (10):

Labcorp Genetics (formerly Invitae), Labcorp
Classification: Pathogenic for Charcot-Marie-Tooth disease axonal type 2V; Mucopolysaccharidosis, MPS-III-B. Last evaluated: 2025-12-26. Review status: criteria provided, single submitter. Criteria: Invitae Variant Classification Sherloc (09022015). Collection method: clinical testing. Allele origin: germline.
Comment: This sequence change replaces arginine, which is basic and polar, with cysteine, which is neutral and slightly polar, at codon 674 of the NAGLU protein (p.Arg674Cys). This variant is present in population databases (rs763299645, gnomAD 0.007%). This missense change has been observed in individual(s) with mucopolysaccharidosis type IIIB (PMID: 9443875, 10094189). In at least one individual the data is consistent with being in trans (on the opposite chromosome) from a pathogenic variant. ClinVar contains an entry for this variant (Variation ID: 553061). Invitae Evidence Modeling of protein sequence and biophysical properties (such as structural, functional, and spatial information, amino acid conservation, physicochemical variation, residue mobility, and thermodynamic stability) indicates that this missense variant is expected to disrupt NAGLU protein function with a positive predictive value of 95%. This variant disrupts the p.Arg674 amino acid residue in NAGLU. Other variant(s) that disrupt this residue have been determined to be pathogenic (PMID: 8650226, 9443875, 9950362, 20852935). This suggests that this residue is clinically significant, and that variants that disrupt this residue are likely to be disease-causing. For these reasons, this variant has been classified as Pathogenic.

Natera, Inc.
Classification: Pathogenic for Mucopolysaccharidosis type IIIB. Last evaluated: 2025-10-06. Review status: criteria provided, single submitter. Criteria: Natera Variant Classification Schema (03/2026). Collection method: clinical testing. Allele origin: germline.
Comment: The c.2020C>T variant in NAGLU is a missense variant predicted to cause substitution of arginine to cysteine at amino acid 674. This variant is rare in the general population with a frequency below the threshold expected for the associated phenotype(s). This variant has been observed in one or more individuals affected with the associated recessive disease, as either homozygous or compound heterozygous with a second variant (PMID: 9443875, 37772257, 32447333, 10094189). Functional studies show that this variant may disrupt protein function (PMID: 29979746). A different variant at the same position has been determined to be Pathogenic or Likely Pathogenic. Computational prediction algorithms indicate this variant is likely to affect gene or protein function. Given the available evidence, this variant is classified as Pathogenic.

CeGaT Center for Human Genetics Tuebingen
Classification: Pathogenic. Last evaluated: 2025-09-01. Review status: criteria provided, single submitter. Criteria: CeGaT Center For Human Genetics Tuebingen Variant Classification Criteria Version 2. Collection method: clinical testing. Allele origin: germline. Affected: yes. Observed: 1 variant allele.
Comment: NAGLU: PM3:Strong, PM1, PM2, PM5

Mayo Clinic Laboratories, Mayo Clinic
Classification: Pathogenic. Last evaluated: 2025-03-04. Review status: criteria provided, single submitter. Criteria: ACMG Guidelines, 2015. Collection method: clinical testing. Allele origin: germline. Observed: 1 variant allele.
Comment: PP3_strong, PP4, PM2_supporting, PM3_strong, PM5, PS3

Fulgent Genetics
Classification: Likely pathogenic for Mucopolysaccharidosis, MPS-III-B; Charcot-Marie-Tooth disease axonal type 2V. Last evaluated: 2024-02-07. Review status: criteria provided, single submitter. Criteria: ACMG Guidelines, 2015. Collection method: clinical testing. Allele origin: germline.

Revvity Omics, Revvity
Classification: Pathogenic. Last evaluated: 2021-12-20. Review status: criteria provided, single submitter. Criteria: ACMG Guidelines, 2015. Collection method: clinical testing. Allele origin: germline.

Practice for Gait Abnormalities, David Pomarino, Competency Network Toe Walking C/o Practice Pomarino
Classification: Likely pathogenic for Tip-toe gait. Last evaluated: 2021-11-30. Review status: criteria provided, single submitter. Criteria: ACMG Guidelines, 2015. Collection method: clinical testing. Allele origin: unknown. Affected: yes.
Comment: Hereditary motor sensory neuropathy (HMSN), also known as Charcot-Marie-Tooth Disease (CMT), is the most commonly inherited peripheral polyneuropathy. It constitutes a group of inherited, progressive, motor and sensory peripheral nerve disorders with properties of demyelination, axonal degeneration, or both. It is classified by clinical characteristics, modes of inheritance, electrophysiologic features, metabolic defects, and specific gene markers. Our patients all walk on tiptoe, so they show similar symptoms. When we genetically test them with our toe walking panel, we find that around 90 per cent of them have a genetic variant that explains their toe walking. These can be assigned, for example, to the area of myopathies (such as variants of the COL6A3 gene), the area of hereditary neuropathies (such as variants of the KMT2C gene) or the area of metabolic diseases (such as variants of the PYGM gene). In a smaller group of patients with almost identical symptoms, no abnormality is found in the genes of our panel, but spastic paraplegia can be detected. In another small group of our toe walkers, no abnormalities can be detected in the genes analysed in our toe walking panel, nor do they suffer from spastic paraplegia, as is also the case with healthy children. In contrast to these, however, they show a tiptoe gait. These patients suffer from infantile cerebral palsy, in which toe walking can also be observed.

Foundation for Research in Genetics and Endocrinology, FRIGE's Institute of Human Genetics
Classification: Likely pathogenic for Mucopolysaccharidosis, MPS-III-B. Review status: criteria provided, single submitter. Criteria: ACMG Guidelines, 2015. Collection method: clinical testing. Allele origin: germline. Inheritance: Autosomal recessive inheritance. Affected: yes. Observed: 1 homozygote.
Comment: The homozygous missense variation in exon 6 of NAGLU gene that results in the amino acid substitution to cysteine for arginine at codon of 674 was detected. The variant c.2020C>T (p.Arg674Cys) has not been reported in 1000 genome and has a MAF of 0.0016% in the gnomAD database. The insilico prediction of the variant is dIsease causing by MutationTaster , LRT, SIFT, PROVEAN and DANN.

Counsyl
Classification: Likely pathogenic for Mucopolysaccharidosis, MPS-III-B. Last evaluated: 2017-07-27. Review status: no assertion criteria provided. Collection method: clinical testing. Allele origin: unknown. Not counted in ClinVar's aggregate classification.

Molecular Biology Laboratory, Department of Zoology, Quaid-i-azam University
Classification: Pathogenic for Mucopolysaccharidosis, MPS-III-B. Review status: no assertion criteria provided. Collection method: research. Allele origin: inherited. Inheritance: Autosomal recessive inheritance. Affected: yes. Not counted in ClinVar's aggregate classification.

Literature cited by the submitters: PubMed 9443875 (cited by 4 submitters); PubMed 10094189 (cited by 4 submitters); PubMed 8650226 (cited by Labcorp Genetics (formerly Invitae), Labcorp); PubMed 9950362 (cited by Labcorp Genetics (formerly Invitae), Labcorp); PubMed 20852935 (cited by Labcorp Genetics (formerly Invitae), Labcorp); PubMed 37772257 (cited by Natera, Inc. and Mayo Clinic Laboratories, Mayo Clinic); PubMed 32447333 (cited by Natera, Inc.); PubMed 29979746 (cited by Natera, Inc. and Mayo Clinic Laboratories, Mayo Clinic); PubMed 30802506 (cited by Mayo Clinic Laboratories, Mayo Clinic); PubMed 31980526 (cited by Mayo Clinic Laboratories, Mayo Clinic); PubMed 34047372 (cited by Mayo Clinic Laboratories, Mayo Clinic); PubMed 9832037 (cited by Mayo Clinic Laboratories, Mayo Clinic); PubMed 37091313 (cited by Practice for Gait Abnormalities, David Pomarino, Competency Network Toe Walking C/o Practice Pomarino); PubMed 22976768 (cited by Counsyl).

NM_000263.4(NAGLU):c.2020C>T (p.Arg674Cys)

Gene: NAGLU (N-acetyl-alpha-glucosaminidase; plus strand). Cytogenetic location: 17q21.2.
Variant type: single nucleotide variant.
Coding change: c.2020C>T on transcript NM_000263.4 (MANE Select); coding-DNA position 2020, C replaced by T.
Protein change: p.Arg674Cys; replaces arginine 674 with cysteine.
Molecular consequence: missense variant.
Genome position (GRCh38, 1-based): chr17:42,544,026, C>T. VCF-style: chr17-42544026-C-T. GRCh37 (hg19) VCF-style: chr17-40696044-C-T.
Other names: p.Arg674Cys; short protein forms R674C.
Identifiers: ClinVar variation 553061 (VCV000553061.32), dbSNP rs763299645, ClinGen allele CA8577130.